The following is an entry in ClinVar:

NM_001303052.2(MYT1L):c.2918G>T (p.Arg973Leu)

Gene: MYT1L (myelin transcription factor 1 like; minus strand). Cytogenetic location: 2p25.3.
Variant type: single nucleotide variant.
Coding change: c.2918G>T on transcript NM_001303052.2 (MANE Select); coding-DNA position 2918, G replaced by T.
Protein change: p.Arg973Leu; replaces arginine 973 with leucine.
Molecular consequence: missense variant.
Genome position (GRCh38, 1-based): chr2:1,839,311, C>A on the plus strand (G>T on the coding strand, the complement: MYT1L is on the minus strand). VCF-style: chr2-1839311-C-A. GRCh37 (hg19) VCF-style: chr2-1843083-C-A.
Other names: c.2918G>T, p.Arg973Leu (NM_001329844.2, NM_001329845.1, NM_001329851.3); c.2912G>T, p.Arg971Leu (NM_001329846.3, NM_001329847.2, NM_001329848.1 and 3 more transcripts); short protein forms R971L, R973L.
Identifiers: ClinVar variation 5019139 (VCV005019139.1).

ClinVar aggregate classification (germline): Uncertain significance (1 of 4 stars; one submission).

Conditions:
Intellectual developmental disorder, autosomal dominant 39. Also called: Mental retardation, autosomal dominant 39; Intellectual disability, autosomal dominant 39. Identifiers: MedGen C4225296, MONDO:0014678, OMIM 616521.

Submission:

Juno Genomics, Hangzhou Juno Genomics, Inc
Classification: Uncertain significance for Intellectual developmental disorder, autosomal dominant 39. Review status: criteria provided, single submitter. Criteria: ACMG Guidelines, 2015. Collection method: clinical testing. Allele origin: germline. Affected: yes.
Comment: Absent from controls (or at extremely low frequency if recessive) in Genome Aggregation Database.;Missense variant in a gene that has a low rate of benign missense variation.;Patient's phenotype or family history is highly specific for a disease with a single genetic etiology.